The following is an entry in ClinVar:

ClinVar aggregate classification (germline): Benign/Likely benign. Review status: criteria provided, multiple submitters, no conflicts (2 of 4 stars). 8 submissions from 8 submitters: Benign (5); Likely benign (2). 1 of the submissions does not count toward it. Last evaluated 2026-09-01.

Conditions:
Biotinidase deficiency. Also called: Biotin deficiency; BTD deficiency; Late-onset biotin-responsive multiple carboxylase deficiency. Identifiers: Orphanet 79241, MedGen C0220754, MONDO:0009665, OMIM 253260.

Allele frequency attached by ClinVar (database versions not stated): gnomAD 0.00669 and 0.00665; TOPMed 0.00676; ESP Exome Variant Server 0.00746; 1000 Genomes Project 0.00160; ExAC 0.00766; gnomAD exomes 0.00891 and 0.00798; 1000 Genomes Project 30x 0.00141.
gnomAD v4.1: 14,027 of 1,614,172 alleles (0.87%); highest among the groups gnomAD compares: Non-Finnish European, 0.98%; 74 homozygotes.

Submissions (8):

CeGaT Center for Human Genetics Tuebingen
Classification: Likely benign. Last evaluated: 2026-09-01. Review status: criteria provided, single submitter. Criteria: CeGaT Center For Human Genetics Tuebingen Variant Classification Criteria Version 2. Collection method: clinical testing. Allele origin: germline. Affected: yes. Observed: 129 variant alleles.
Comment: BTD: BP4, BP7, BS2

Labcorp Genetics (formerly Invitae), Labcorp
Classification: Benign for Biotinidase deficiency. Last evaluated: 2026-02-04. Review status: criteria provided, single submitter. Criteria: Invitae Variant Classification Sherloc (09022015). Collection method: clinical testing. Allele origin: germline.

Blueprint Genetics
Classification: Likely benign. Last evaluated: 2024-11-26. Review status: criteria provided, single submitter. Criteria: ACMG Guidelines, 2015. Collection method: clinical testing. Allele origin: germline.

ARUP Laboratories, Molecular Genetics and Genomics, ARUP Laboratories
Classification: Benign for Biotinidase deficiency. Last evaluated: 2021-07-02. Review status: criteria provided, single submitter. Criteria: ARUP Molecular Germline Variant Investigation Process 2021. Collection method: clinical testing. Allele origin: germline.

Quest Diagnostics Nichols Institute San Juan Capistrano
Classification: Benign. Last evaluated: 2018-07-06. Review status: criteria provided, single submitter. Criteria: Quest Diagnostics criteria. Collection method: clinical testing. Allele origin: germline.

GeneDx
Classification: Benign. Last evaluated: 2015-04-13. Review status: criteria provided, single submitter. Criteria: GeneDx Variant Classification (06012015). Collection method: clinical testing. Allele origin: germline. Affected: yes.
Comment: This variant is considered likely benign or benign based on one or more of the following criteria: it is a conservative change, it occurs at a poorly conserved position in the protein, it is predicted to be benign by multiple in silico algorithms, and/or has population frequency not consistent with disease.

Eurofins Ntd Llc (ga)
Classification: Benign. Last evaluated: 2013-07-01. Review status: criteria provided, single submitter. Criteria: EGL Classification Definitions 2015. Collection method: clinical testing. Allele origin: germline. Observed: 1 variant allele, 1 heterozygote.

Natera, Inc.
Classification: Benign for Biotinidase deficiency. Last evaluated: 2020-09-16. Review status: no assertion criteria provided. Collection method: clinical testing. Allele origin: germline. Not counted in ClinVar's aggregate classification.

NM_001370658.1(BTD):c.585C>T (p.Leu195=)

Gene: BTD (biotinidase; plus strand). Cytogenetic location: 3p25.1.
Variant type: single nucleotide variant.
Coding change: c.585C>T on transcript NM_001370658.1 (MANE Select); coding-DNA position 585, C replaced by T.
Protein change: p.Leu195=; no amino-acid change (leucine 195 retained).
Molecular consequence: synonymous variant. On other transcripts: intron variant (6).
Genome position (GRCh38, 1-based): chr3:15,644,501, C>T. VCF-style: chr3-15644501-C-T. GRCh37 (hg19) VCF-style: chr3-15686008-C-T.
Other names: c.645C>T, p.Leu215= (NM_000060.4); c.585C>T, p.Leu195= (NM_001281723.4, NM_001281724.3, NM_001281725.3 and 18 more transcripts); c.399+2444C>T (NM_001370753.1, NM_001407400.1, NM_001407380.1 and 3 more transcripts).
Identifiers: ClinVar variation 25032 (VCV000025032.55), dbSNP rs145388314, ClinGen allele CA145713.